The following is an entry in ClinVar:

NM_006031.6(PCNT):c.7534C>G (p.Pro2512Ala)

Gene: PCNT (pericentrin; plus strand). Cytogenetic location: 21q22.3.
Variant type: single nucleotide variant.
Coding change: c.7534C>G on transcript NM_006031.6 (MANE Select); coding-DNA position 7534, C replaced by G.
Protein change: p.Pro2512Ala; replaces proline 2512 with alanine.
Molecular consequence: missense variant.
Genome position (GRCh38, 1-based): chr21:46,428,434, C>G. VCF-style: chr21-46428434-C-G. GRCh37 (hg19) VCF-style: chr21-47848348-C-G.
Other names: c.7180C>G, p.Pro2394Ala (NM_001315529.2); short protein forms P2394A, P2512A.
Identifiers: ClinVar variation 4986904 (VCV004986904.1).
Genomic context (GRCh38, chr21:46,428,434, plus strand): 5'-CTTGTCCCATTGTGCCCCCAGGGAGACCTGCAGGAAAAGTCCCTGGAGCATCTTCGCTTG[C>G]CGGACCGGAGCAGCCTGCTGTCCGAGATCCAGGCGCTGCGTGCCCAGCTGCGCATGACGC-3'
Protein context (NP_006022.3, residues 2502-2522): QEKSLEHLRL[Pro2512Ala]DRSSLLSEIQ

ClinVar aggregate classification (germline): Uncertain significance (1 of 4 stars; one submission).

Conditions:
PCNT-related disorder. Also called: PCNT-related condition.

gnomAD v4.1: 3 of 1,612,516 alleles (0.00019%); highest among the groups gnomAD compares: Non-Finnish European, 0.00025%; no homozygotes.

Submission:

PreventionGenetics, part of Exact Sciences
Classification: Uncertain significance for PCNT-related condition. Last evaluated: 2026-02-16. Review status: criteria provided, single submitter. Criteria: ACMG Guidelines, 2015. Collection method: clinical testing. Allele origin: germline.
Comment: The PCNT c.7534C>G variant is predicted to result in the amino acid substitution p.Pro2512Ala. To our knowledge, this variant has not been reported in the literature or in a large population database (gnomAD), indicating this variant is rare. At this time, the clinical significance of this variant is uncertain due to the absence of conclusive functional and genetic evidence.